The following is an entry in ClinVar:

NM_001378454.1(ALMS1):c.4939G>T (p.Ala1647Ser)

Gene: ALMS1 (ALMS1 centrosome and basal body associated protein; plus strand). Cytogenetic location: 2p13.1.
Variant type: single nucleotide variant.
Coding change: c.4939G>T on transcript NM_001378454.1 (MANE Select); coding-DNA position 4939, G replaced by T.
Protein change: p.Ala1647Ser; replaces alanine 1647 with serine.
Molecular consequence: missense variant.
Genome position (GRCh38, 1-based): chr2:73,451,466, G>T. VCF-style: chr2-73451466-G-T. GRCh37 (hg19) VCF-style: chr2-73678593-G-T.
Other names: c.4942G>T, p.Ala1648Ser (NM_015120.4); short protein forms A1648S, A1647S.
Identifiers: ClinVar variation 1435292 (VCV001435292.7), dbSNP rs1671938334, ClinGen allele CA347279578.
Genomic context (GRCh38, chr2:73,451,466, plus strand): 5'-TTCTACCGGCAGGCTCTGCTAGACAGTCCTCTAAATAAAGAGGTTGTGAAAGTTTCAGCT[G>T]CTCCTGGACCAGCTGACCAGAAGACTGAGACATTACCAGTACATTCTACTAGCTACTCAA-3'
Protein context (NP_001365383.1, residues 1637-1657): LNKEVVKVSA[Ala1647Ser]PGPADQKTET

ClinVar aggregate classification (germline): Uncertain significance. Review status: criteria provided, multiple submitters, no conflicts (2 of 4 stars). 2 submissions from 2 submitters: Uncertain significance (2). Last evaluated 2022-11-25.

Conditions:
Alstrom syndrome (ALMS). Identifiers: Orphanet 64, MedGen C0268425, MONDO:0008763, OMIM 203800.

Submissions (2):

Labcorp Genetics (formerly Invitae), Labcorp
Classification: Uncertain significance for Alstrom syndrome. Last evaluated: 2022-11-25. Review status: criteria provided, single submitter. Criteria: Invitae Variant Classification Sherloc (09022015). Collection method: clinical testing. Allele origin: germline.
Comment: This sequence change replaces alanine with serine at codon 1648 of the ALMS1 protein (p.Ala1648Ser). The alanine residue is weakly conserved and there is a moderate physicochemical difference between alanine and serine. This variant is not present in population databases (gnomAD no frequency). This variant has not been reported in the literature in individuals affected with ALMS1-related conditions. ClinVar contains an entry for this variant (Variation ID: 1435292). Experimental studies and prediction algorithms are not available or were not evaluated, and the functional significance of this variant is currently unknown. In summary, the available evidence is currently insufficient to determine the role of this variant in disease. Therefore, it has been classified as a Variant of Uncertain Significance.

Blueprint Genetics
Classification: Uncertain significance. Last evaluated: 2018-11-08. Review status: criteria provided, single submitter. Criteria: ACMG Guidelines, 2015. Collection method: clinical testing. Allele origin: germline.